The following is an entry in ClinVar:

ClinVar aggregate classification (germline): Pathogenic (1 of 4 stars; one submission).

Conditions:
Peroxisome biogenesis disorder, complementation group 7 (CG7). Also called: Peroxisome biogenesis disorder, complementation group B. Identifiers: MedGen C1864399.

Submission:

Labcorp Genetics (formerly Invitae), Labcorp
Classification: Pathogenic for Peroxisome biogenesis disorder, complementation group 7. Last evaluated: 2023-10-15. Review status: criteria provided, single submitter. Criteria: Invitae Variant Classification Sherloc (09022015). Collection method: clinical testing. Allele origin: germline.
Comment: This sequence change creates a premature translational stop signal (p.Arg83Glyfs*14) in the PEX10 gene. It is expected to result in an absent or disrupted protein product. Loss-of-function variants in PEX10 are known to be pathogenic (PMID: 9683594, 10862081, 21031596). This variant is not present in population databases (gnomAD no frequency). This variant has not been reported in the literature in individuals affected with PEX10-related conditions. For these reasons, this variant has been classified as Pathogenic.

Literature cited by the submitters: PubMed 9683594; PubMed 10862081; PubMed 21031596.

NM_002617.4(PEX10):c.247del (p.Arg83fs)

Gene: PEX10 (peroxisomal biogenesis factor 10; minus strand). Cytogenetic location: 1p36.32.
Variant type: Deletion.
Coding change: c.247del on transcript NM_002617.4 (MANE Select); coding-DNA position 247, one base deleted (C; older notation c.247delC).
Protein change: p.Arg83fs; shifts the reading frame from arginine 83.
Molecular consequence: frameshift variant. On other transcripts: 5 prime UTR variant (2), non-coding transcript variant (1).
Genome position (GRCh38, 1-based): chr1:2,408,805, G deleted on the plus strand (C on the coding strand, the reverse complement: PEX10 is on the minus strand). VCF-style (leftmost placement, unchanged base first): chr1-2408804-CG-C. GRCh37 (hg19) VCF-style: chr1-2340243-CG-C.
Other names: c.247del, p.Arg83fs (NM_001374425.1, NM_153818.2); c.-186del (NM_001374426.1, NM_001374427.1); short protein forms R83fs.
Identifiers: ClinVar variation 2766294 (VCV002766294.3), dbSNP rs2522280068, ClinGen allele CA2697552033.
Genomic context (GRCh38, chr1:2,408,804, plus strand): 5'-GGCAGGACGGCATGCAGTGTCACCAGCACGCCACGGCGCAGCGAGGAGGGCACATGTATC[CG>C]CGATGGGTCCACCTGGATGATGCTGACGTACTCCTCCCCCAGGGTCTGGTAGCCTGCGAG-3'